The following is an entry in ClinVar:

NM_030962.4(SBF2):c.5310A>G (p.Thr1770=)

Genes: SBF2 (SET binding factor 2; minus strand), SBF2-AS1 (SBF2 antisense RNA 1; plus strand), LOC105369149 (uncharacterized LOC105369149; plus strand). Cytogenetic location: 11p15.4.
Variant type: single nucleotide variant.
Coding change: c.5310A>G on transcript NM_030962.4 (MANE Select); coding-DNA position 5310, A replaced by G.
Protein change: p.Thr1770=; no amino-acid change (threonine 1770 retained).
Molecular consequence: synonymous variant.
Genome position (GRCh38, 1-based): chr11:9,784,360, T>C on the plus strand (A>G on the coding strand, the complement: SBF2 is on the minus strand). VCF-style: chr11-9784360-T-C. GRCh37 (hg19) VCF-style: chr11-9805907-T-C.
Other names: c.5406A>G, p.Thr1802= (NM_001386339.1); c.5181A>G, p.Thr1727= (NM_001386342.1).
Identifiers: ClinVar variation 381275 (VCV000381275.1), dbSNP rs1057521006, ClinGen allele CA16606441.

ClinVar aggregate classification (germline): Likely benign (1 of 4 stars; one submission).

Submission:

GeneDx
Classification: Likely benign. Last evaluated: 2015-11-18. Review status: criteria provided, single submitter. Criteria: GeneDx Variant Classification (06012015). Collection method: clinical testing. Allele origin: germline. Affected: yes.
Comment: This variant is considered likely benign or benign based on one or more of the following criteria: it is a conservative change, it occurs at a poorly conserved position in the protein, it is predicted to be benign by multiple in silico algorithms, and/or has population frequency not consistent with disease.